The following is an entry in ClinVar:

ClinVar aggregate classification (germline): Conflicting classifications of pathogenicity. Review status: criteria provided, conflicting classifications (1 of 4 stars). 3 submissions from 3 submitters: Pathogenic (1); Uncertain significance (1). 1 of the submissions does not count toward it. Last evaluated 2021-01-04.

Conditions:
Spastic ataxia. Identifiers: Orphanet 316226, MedGen C1849156, MONDO:0017845, HP:0002497.
Neonatal encephalomyopathy-cardiomyopathy-respiratory distress syndrome. Also called: Coenzyme Q10 deficiency, primary, 7. Identifiers: Orphanet 457185, MedGen C5568562, MONDO:0014562, OMIM 616276.

Allele frequency attached by ClinVar (database versions not stated): gnomAD exomes below 0.00001 and 0.00001; TOPMed below 0.00001; ExAC 0.00001.
gnomAD v4.1: 8 of 1,613,730 alleles (0.0005%); highest among the groups gnomAD compares: Non-Finnish European, 0.00068%; no homozygotes.

Submissions (3):

Molecular Medicine for Neurodegenerative and Neuromuscular Diseases Unit, IRCCS Fondazione Stella Maris
Classification: Pathogenic for Spastic ataxia. Last evaluated: 2021-01-04. Review status: criteria provided, single submitter. Criteria: ACMG Guidelines, 2015. Collection method: research. Allele origin: inherited. Affected: yes.

Labcorp Genetics (formerly Invitae), Labcorp
Classification: Uncertain significance for Neonatal encephalomyopathy-cardiomyopathy-respiratory distress syndrome. Last evaluated: 2018-09-20. Review status: criteria provided, single submitter. Criteria: Invitae Variant Classification Sherloc (09022015). Collection method: clinical testing. Allele origin: germline.
Comment: In summary, the available evidence is currently insufficient to determine the role of this variant in disease. Therefore, it has been classified as a Variant of Uncertain Significance. Algorithms developed to predict the effect of missense changes on protein structure and function (SIFT, PolyPhen-2, Align-GVGD) all suggest that this variant is likely to be disruptive, but these predictions have not been confirmed by published functional studies and their clinical significance is uncertain. This sequence change replaces glycine with aspartic acid at codon 95 of the COQ4 protein (p.Gly95Asp). The glycine residue is highly conserved and there is a moderate physicochemical difference between glycine and aspartic acid. This variant is present in population databases (rs779568890, ExAC 0.002%). This variant has not been reported in the literature in individuals with COQ4-related disease.

OMIM
Classification: Pathogenic for COENZYME Q10 DEFICIENCY, PRIMARY, 7. Last evaluated: 2021-04-20. Review status: no assertion criteria provided. Collection method: literature only. Allele origin: germline. Not counted in ClinVar's aggregate classification.

Literature cited by the submitters: PubMed 33704555 (cited by OMIM).

NM_016035.5(COQ4):c.284G>A (p.Gly95Asp)

Gene: COQ4 (coenzyme Q4; plus strand). Cytogenetic location: 9q34.11.
Variant type: single nucleotide variant.
Coding change: c.284G>A on transcript NM_016035.5 (MANE Select); coding-DNA position 284, G replaced by A.
Protein change: p.Gly95Asp; replaces glycine 95 with aspartic acid.
Molecular consequence: missense variant. On other transcripts: intron variant (1).
Genome position (GRCh38, 1-based): chr9:128,325,224, G>A. VCF-style: chr9-128325224-G-A. GRCh37 (hg19) VCF-style: chr9-131087503-G-A.
Other names: c.203-555G>A (NM_001305942.2); short protein forms G95D.
Identifiers: ClinVar variation 639891 (VCV000639891.12), dbSNP rs779568890, ClinGen allele CA5260480.
Genomic context (GRCh38, chr9:128,325,224, plus strand): 5'-AGACCACAGGACACCGCACCCTGAAGGTCCTCAGGGACCAGATGAGGAGGGATCCAGAGG[G>A]TGCCCAGATCCTGCAGTAGGTCCCAGCTCTGCCTGGGGGTCTGGGGGCATTCTCTAGGTA-3'
Protein context (NP_057119.3, residues 85-105): LRDQMRRDPE[Gly95Asp]AQILQERPRI